The following is an entry in ClinVar:

NM_015158.5(KANK1):c.1811G>A (p.Ser604Asn)

Gene: KANK1 (KN motif and ankyrin repeat domains 1; plus strand). Cytogenetic location: 9p24.3.
Variant type: single nucleotide variant.
Coding change: c.1811G>A on transcript NM_015158.5 (MANE Select); coding-DNA position 1811, G replaced by A.
Protein change: p.Ser604Asn; replaces serine 604 with asparagine.
Molecular consequence: missense variant. On other transcripts: non-coding transcript variant (1).
Genome position (GRCh38, 1-based): chr9:712,577, G>A. VCF-style: chr9-712577-G-A. GRCh37 (hg19) VCF-style: chr9-712577-G-A.
Other names: c.1811G>A, p.Ser604Asn (NM_001256876.3, NM_001256877.3, NM_001354331.2 and 2 more transcripts); c.1337G>A, p.Ser446Asn (NM_001354333.2, NM_001354335.2, NM_001354336.2 and 9 more transcripts); short protein forms S604N, S446N.
Identifiers: ClinVar variation 451088 (VCV000451088.8), dbSNP rs754470891, ClinGen allele CA372749002.
Genomic context (GRCh38, chr9:712,577, plus strand): 5'-GGTCTGTGGAAATGTGTGACAAGAGTGTGAGTGTGGAAGTCAGCGTCTGCGAAACAGGCA[G>A]CAACACAGAGGAGTCTGTGAACGACCTCACACTCCTCAAGACAAACTTGAATCTCAAAGA-3'
Protein context (NP_055973.2, residues 594-614): SVEVSVCETG[Ser604Asn]NTEESVNDLT

ClinVar aggregate classification (germline): Uncertain significance. Review status: criteria provided, multiple submitters, no conflicts (2 of 4 stars). 2 submissions from 2 submitters: Uncertain significance (2). Last evaluated 2024-09-30.

Conditions:
Cerebral palsy, spastic quadriplegic, 2 (CPSQ2). Identifiers: Orphanet 210141, MedGen C2752061, MONDO:0013033, OMIM 612900.
KANK1-related disorder. Also called: KANK1-related condition.

Allele frequency attached by ClinVar (database versions not stated): gnomAD 0.00001; TOPMed 0.00001.
gnomAD v4.1: 3 of 1,614,080 alleles (0.00019%); highest among the groups gnomAD compares: African/African-American, 0.004%; no homozygotes.

Submissions (2):

GeneDx
Classification: Uncertain significance. Last evaluated: 2024-09-30. Review status: criteria provided, single submitter. Criteria: GeneDx Variant Classification Process June 2021. Collection method: clinical testing. Allele origin: germline. Affected: yes.
Comment: In silico analysis indicates that this missense variant does not alter protein structure/function; Has not been previously published as pathogenic or benign to our knowledge; Variants in candidate genes are classified as variants of uncertain significance in accordance with ACMG guidelines (PMID: 25741868)

Fulgent Genetics
Classification: Uncertain significance for Cerebral palsy, spastic quadriplegic, 2. Last evaluated: 2021-12-30. Review status: criteria provided, single submitter. Criteria: ACMG Guidelines, 2015. Collection method: clinical testing. Allele origin: unknown.